The following is an entry in ClinVar:

NM_016363.5(GP6):c.225C>T (p.Ile75=)

Gene: GP6 (glycoprotein VI platelet; minus strand). Cytogenetic location: 19q13.42.
Variant type: single nucleotide variant.
Coding change: c.225C>T on transcript NM_016363.5 (MANE Select); coding-DNA position 225, C replaced by T.
Protein change: p.Ile75=; no amino-acid change (isoleucine 75 retained).
Molecular consequence: synonymous variant.
Genome position (GRCh38, 1-based): chr19:55,032,239, G>A on the plus strand (C>T on the coding strand, the complement: GP6 is on the minus strand). VCF-style: chr19-55032239-G-A. GRCh37 (hg19) VCF-style: chr19-55543607-G-A.
Other names: c.225C>T, p.Ile75= (NM_001083899.2, NM_001256017.2).
Identifiers: ClinVar variation 711754 (VCV000711754.11), dbSNP rs189503167, ClinGen allele CA310134266.

ClinVar aggregate classification (germline): Benign/Likely benign. Review status: criteria provided, multiple submitters, no conflicts (2 of 4 stars). 3 submissions from 3 submitters: Benign (1); Likely benign (2). Last evaluated 2026-08-01.

Conditions:
GP6-related disorder. Also called: GP6-related condition.

Allele frequency attached by ClinVar (database versions not stated): gnomAD exomes 0.00009 and 0.00025; ExAC 0.00036; gnomAD 0.00103; ESP Exome Variant Server 0.00105; TOPMed 0.00110; 1000 Genomes Project 0.00240; 1000 Genomes Project 30x 0.00297.
gnomAD v4.1: 291 of 1,613,962 alleles (0.018%); highest among the groups gnomAD compares: African/African-American, 0.34%; no homozygotes.

Submissions (3):

CeGaT Center for Human Genetics Tuebingen
Classification: Likely benign. Last evaluated: 2026-08-01. Review status: criteria provided, single submitter. Criteria: CeGaT Center For Human Genetics Tuebingen Variant Classification Criteria Version 2. Collection method: clinical testing. Allele origin: germline. Affected: yes. Observed: 1 variant allele.
Comment: GP6: BP4, BP7

PreventionGenetics, part of Exact Sciences
Classification: Likely benign for GP6-related condition. Last evaluated: 2025-11-24. Review status: criteria provided, single submitter. Criteria: ACMG Guidelines, 2015. Collection method: clinical testing. Allele origin: germline.
Comment: This variant is classified as likely benign based on ACMG/AMP sequence variant interpretation guidelines (Richards et al. 2015 PMID: 25741868, with internal and published modifications).

Labcorp Genetics (formerly Invitae), Labcorp
Classification: Benign. Last evaluated: 2025-09-28. Review status: criteria provided, single submitter. Criteria: Invitae Variant Classification Sherloc (09022015). Collection method: clinical testing. Allele origin: germline.